The following is an entry in ClinVar:

ClinVar aggregate classification (germline): Uncertain significance (1 of 4 stars; one submission).

Conditions:
Hereditary sensory and autonomic neuropathy type 6. Also called: HSAN VI; Neuropathy, hereditary sensory and autonomic, type VI. Identifiers: Orphanet 314381, MedGen C3539003, MONDO:0013839, OMIM 614653.
Epidermolysis bullosa simplex 3, localized or generalized intermediate, with BP230 deficiency (EBS3). Also called: Epidermolysis bullosa simplex due to BP230 deficiency; Epidermolysis bullosa simplex, autosomal recessive 2. Identifiers: Orphanet 412181, MedGen C3809470, MONDO:0014180, OMIM 615425.

Submission:

Labcorp Genetics (formerly Invitae), Labcorp
Classification: Uncertain significance for Epidermolysis bullosa simplex 3, localized or generalized intermediate, with BP230 deficiency; Hereditary sensory and autonomic neuropathy type 6. Last evaluated: 2021-10-07. Review status: criteria provided, single submitter. Criteria: Invitae Variant Classification Sherloc (09022015). Collection method: clinical testing. Allele origin: germline.
Comment: This variant has not been reported in the literature in individuals affected with DST-related conditions. In summary, the available evidence is currently insufficient to determine the role of this variant in disease. Therefore, it has been classified as a Variant of Uncertain Significance. Experimental studies and prediction algorithms are not available or were not evaluated, and the functional significance of this variant is currently unknown. This variant is not present in population databases (ExAC no frequency). This sequence change replaces valine with isoleucine at codon 1414 of the DST protein (p.Val1414Ile). The DST gene has multiple clinically relevant transcripts. This variant occurs in alternate transcript NM_015548.4, and corresponds to NM_001723.5:c.*17691G>A in the primary transcript.

NM_001374736.1(DST):c.12109G>A (p.Val4037Ile)

Gene: DST (dystonin; minus strand). Cytogenetic location: 6p12.1.
Variant type: single nucleotide variant.
Coding change: c.12109G>A on transcript NM_001374736.1 (MANE Select); coding-DNA position 12109, G replaced by A.
Protein change: p.Val4037Ile; replaces valine 4037 with isoleucine.
Molecular consequence: missense variant.
Genome position (GRCh38, 1-based): chr6:56,597,826, C>T on the plus strand (G>A on the coding strand, the complement: DST is on the minus strand). VCF-style: chr6-56597826-C-T. GRCh37 (hg19) VCF-style: chr6-56462624-C-T.
Other names: c.5752G>A, p.Val1918Ile (NM_001144769.5); c.5338G>A, p.Val1780Ile (NM_001144770.2); c.12109G>A, p.Val4037Ile (NM_001374722.1); c.11476G>A, p.Val3826Ile (NM_001374729.1); c.5218G>A, p.Val1740Ile (NM_001374730.1, NM_001386100.1, NM_183380.4); c.12136G>A, p.Val4046Ile (NM_001374734.1); c.4240G>A, p.Val1414Ile (NM_015548.5); short protein forms V1414I, V3826I, V4046I, V1740I, V1780I, V1918I, V4037I.
Identifiers: ClinVar variation 1523396 (VCV001523396.6), dbSNP rs1218203736, ClinGen allele CA364528459.